The following is an entry in ClinVar:

NM_004380.3(CREBBP):c.5963T>C (p.Met1988Thr)

Gene: CREBBP (CREB binding lysine acetyltransferase; minus strand). Cytogenetic location: 16p13.3.
Variant type: single nucleotide variant.
Coding change: c.5963T>C on transcript NM_004380.3 (MANE Select); coding-DNA position 5963, T replaced by C.
Protein change: p.Met1988Thr; replaces methionine 1988 with threonine.
Molecular consequence: missense variant.
Genome position (GRCh38, 1-based): chr16:3,729,084, A>G on the plus strand (T>C on the coding strand, the complement: CREBBP is on the minus strand). VCF-style: chr16-3729084-A-G. GRCh37 (hg19) VCF-style: chr16-3779085-A-G.
Other names: c.5849T>C, p.Met1950Thr (NM_001079846.1); short protein forms M1950T, M1988T.
Identifiers: ClinVar variation 1704000 (VCV001704000.3), dbSNP rs1453662821, ClinGen allele CA394554815.
Genomic context (GRCh38, chr16:3,729,084, plus strand): 5'-ACCTGGTTGGGTCGGGGCACATTCAGGCTCACGGGGGCCATCTGGCTCCCCGGGGTCCCC[A>G]TGCCCGTGCGTCCTGGGGGCATGCTGTTGTTGATGTTCACCCGGTACAGGTGCTGCTGCT-3'
Protein context (NP_004371.2, residues 1978-1998): NNSMPPGRTG[Met1988Thr]GTPGSQMAPV

ClinVar aggregate classification (germline): Uncertain significance. Review status: criteria provided, multiple submitters, no conflicts (2 of 4 stars). 2 submissions from 2 submitters: Uncertain significance (2). Last evaluated 2025-07-11.

Conditions:
CREBBP-related disorder. Also called: CREBBP-related condition; CREBBP-related disorders.

Allele frequency attached by ClinVar (database versions not stated): gnomAD exomes below 0.00001.

Submissions (2):

PreventionGenetics, part of Exact Sciences
Classification: Uncertain significance for CREBBP-related condition. Last evaluated: 2025-07-11. Review status: criteria provided, single submitter. Criteria: ACMG Guidelines, 2015. Collection method: clinical testing. Allele origin: germline.
Comment: The CREBBP c.5963T>C variant is predicted to result in the amino acid substitution p.Met1988Thr. To our knowledge, this variant has not been reported in the literature or in a large population database (gnomAD), indicating this variant is rare. At this time, the clinical significance of this variant is uncertain due to the absence of conclusive functional and genetic evidence.

GeneDx
Classification: Uncertain significance. Last evaluated: 2022-02-28. Review status: criteria provided, single submitter. Criteria: GeneDx Variant Classification Process June 2021. Collection method: clinical testing. Allele origin: germline. Affected: yes.
Comment: Not observed at significant frequency in large population cohorts (gnomAD); In silico analysis supports that this missense variant does not alter protein structure/function; Has not been previously published as pathogenic or benign to our knowledge